The following is an entry in ClinVar:

ClinVar aggregate classification (germline): Uncertain significance (1 of 4 stars; one submission).

Conditions:
PLXNA3-related disorder. Also called: PLXNA3-related condition.

Submission:

PreventionGenetics, part of Exact Sciences
Classification: Uncertain significance for PLXNA3-related condition. Last evaluated: 2025-07-28. Review status: criteria provided, single submitter. Criteria: ACMG Guidelines, 2015. Collection method: clinical testing. Allele origin: germline.
Comment: The PLXNA3 c.4483G>A variant is predicted to result in the amino acid substitution p.Val1495Met. To our knowledge, this variant has not been reported in the literature or in a large population database (gnomAD), indicating this variant is rare. At this time, the clinical significance of this variant is uncertain due to the absence of conclusive functional and genetic evidence.

NM_017514.5(PLXNA3):c.4483G>A (p.Val1495Met)

Gene: PLXNA3 (plexin A3; plus strand). Cytogenetic location: Xq28.
Variant type: single nucleotide variant.
Coding change: c.4483G>A on transcript NM_017514.5 (MANE Select); coding-DNA position 4483, G replaced by A.
Protein change: p.Val1495Met; replaces valine 1495 with methionine.
Molecular consequence: missense variant.
Genome position (GRCh38, 1-based): chrX:154,469,104, G>A. VCF-style: chrX-154469104-G-A. GRCh37 (hg19) VCF-style: chrX-153697447-G-A.
Other names: short protein forms V1495M.
Identifiers: ClinVar variation 5001804 (VCV005001804.1).